The following is an entry in ClinVar:

NM_175914.5(HNF4A):c.*3143G>T

Gene: HNF4A (hepatocyte nuclear factor 4 alpha; plus strand). Cytogenetic location: 20q13.12.
Variant type: single nucleotide variant.
Coding change: c.*3143G>T on transcript NM_175914.5 (MANE Select); 3143 bases downstream of the stop codon, G replaced by T.
Molecular consequence: 3 prime UTR variant.
Genome position (GRCh38, 1-based): chr20:44,432,808, G>T. VCF-style: chr20-44432808-G-T. GRCh37 (hg19) VCF-style: chr20-43061448-G-T.
Other names: c.*3143G>T (NM_000457.6, NM_001030003.3, NM_001258355.2 and 3 more transcripts).
Identifiers: ClinVar variation 338498 (VCV000338498.7), dbSNP rs535731605, ClinGen allele CA10649758.
Genomic context (GRCh38, chr20:44,432,808, plus strand): 5'-TGCCGCCTGATGGGGCAAAGAAACAAAAAACATTTCTTACTCTTCTGTGTTTTAACAAAA[G>T]TTTATAAAACAAAATAAATGGCGCATATGTTTTCTAAGTCCTTGGATAAGTATCTTTTCT-3'

ClinVar aggregate classification (germline): Benign/Likely benign. Review status: criteria provided, multiple submitters, no conflicts (2 of 4 stars). 4 submissions from 3 submitters: Benign (1); Likely benign (3). Last evaluated 2018-01-13.

Conditions:
Maturity-onset diabetes of the young type 1. Also called: MILD JUVENILE DIABETES MELLITUS; MODY, type I; MODY type 1; Diabetes mellitus MODY type 1; MODY HNF4A related; HNF4A-Related Maturity-Onset Diabetes of the Young Type 1. Identifiers: Orphanet 552, MedGen C1852093, MONDO:0007452, OMIM 125850. Disease mechanism: loss of function.
Familial hyperinsulinism. Also called: Congenital hyperinsulinism. Identifiers: Orphanet 276525, MedGen C3888018, MONDO:0017182. Disease mechanism: loss of function.
Maturity-onset diabetes of the young (MODY). Also called: Maturity onset diabetes mellitus in young. Identifiers: Orphanet 552, MedGen C0342276, MONDO:0018911, HP:0004904.

Allele frequency attached by ClinVar (database versions not stated): gnomAD 0.00101 and 0.00138; TOPMed 0.00201; 1000 Genomes Project 30x 0.00625; 1000 Genomes Project 0.00659.

Submissions (4):

Illumina Laboratory Services, Illumina
Classification: Benign for Maturity-onset diabetes of the young type 1. Last evaluated: 2018-01-13. Review status: criteria provided, single submitter. Criteria: ICSL Variant Classification Criteria 13 December 2019. Collection method: clinical testing. Allele origin: germline.
Comment: This variant was observed in the ICSL laboratory as part of a predisposition screen in an ostensibly healthy population. It had not been previously curated by ICSL or reported in the Human Gene Mutation Database (HGMD: prior to June 1st, 2018), and was therefore a candidate for classification through an automated scoring system. Utilizing variant allele frequency, disease prevalence and penetrance estimates, and inheritance mode, an automated score was calculated to assess if this variant is too frequent to cause the disease. Based on the score and internal cut-off values, a variant classified as benign is not then subjected to further curation. The score for this variant resulted in a classification of benign for this disease.

Illumina Laboratory Services, Illumina
Classification: Likely benign for Familial hyperinsulinism. Last evaluated: 2018-01-13. Review status: criteria provided, single submitter. Criteria: ICSL Variant Classification Criteria 13 December 2019. Collection method: clinical testing. Allele origin: germline.
Comment: This variant was observed in the ICSL laboratory as part of a predisposition screen in an ostensibly healthy population. It had not been previously curated by ICSL or reported in the Human Gene Mutation Database (HGMD: prior to June 1st, 2018), and was therefore a candidate for classification through an automated scoring system. Utilizing variant allele frequency, disease prevalence and penetrance estimates, and inheritance mode, an automated score was calculated to assess if this variant is too frequent to cause the disease. Based on the score and internal cut-off values, a variant classified as likely benign is not then subjected to further curation. The score for this variant resulted in a classification of likely benign for this disease.

Breakthrough Genomics
Classification: Likely benign. Review status: criteria provided, single submitter. Criteria: ACMG Guidelines, 2015. Collection method: not provided. Allele origin: germline. Inheritance: Autosomal dominant inheritance. Affected: yes.

Clinical Genomics, Uppaluri K&H Personalized Medicine Clinic
Classification: Likely benign for Maturity-onset diabetes of the young. Review status: criteria provided, single submitter. Criteria: K & H Uppaluri Personalized Medicine Clinic Variant Classification & Assertion Criteria_Updated V.1. Collection method: research. Allele origin: unknown. Inheritance: Autosomal dominant inheritance.
Comment: Potent mutations in HNF4A are associated with poor insulin secretion in response to hyperglycemia. Associated with MODY1. Patients initially respond well to sulfonylureas but eventually become insulin dependent. However, more evidence is required to ascertain the role of this particular variant rs535731605 in MODY, yet.

Literature cited by the submitters: DOI 10.1159/000334532 (cited by Clinical Genomics, Uppaluri K&H Personalized Medicine Clinic); PubMed 18268044 (cited by Clinical Genomics, Uppaluri K&H Personalized Medicine Clinic); PubMed 17563455 (cited by Clinical Genomics, Uppaluri K&H Personalized Medicine Clinic); PubMed 32583173 (cited by Clinical Genomics, Uppaluri K&H Personalized Medicine Clinic); PubMed 35052457 (cited by Clinical Genomics, Uppaluri K&H Personalized Medicine Clinic); PubMed 35118593 (cited by Clinical Genomics, Uppaluri K&H Personalized Medicine Clinic).